The following is an entry in ClinVar:

NM_000179.3(MSH6):c.2195del (p.Arg732fs)

Gene: MSH6 (mutS homolog 6; plus strand). Cytogenetic location: 2p16.3.
Variant type: Deletion.
Coding change: c.2195del on transcript NM_000179.3 (MANE Select); coding-DNA position 2195, one base deleted (G; older notation c.2195delG).
Protein change: p.Arg732fs; shifts the reading frame from arginine 732.
Molecular consequence: frameshift variant. On other transcripts: non-coding transcript variant (5), intron variant (2).
Genome position (GRCh38, 1-based): chr2:47,800,178, G deleted. VCF-style (leftmost placement, unchanged base first): chr2-47800177-CG-C. GRCh37 (hg19) VCF-style: chr2-48027316-CG-C.
Other names: c.2201del, p.Arg734fs (NM_001406813.1); c.1289del, p.Arg430fs (NM_001406814.1, NM_001406815.1, NM_001406816.1 and 6 more transcripts); c.1898del, p.Arg633fs (NM_001406818.1, NM_001406819.1, NM_001406820.1 and 10 more transcripts); c.2027del, p.Arg676fs (NM_001406826.1); c.1805del, p.Arg602fs (NM_001281492.2); c.2291del, p.Arg764fs (NM_001406795.1, NM_001406802.1); c.2195del, p.Arg732fs (NM_001406796.1, NM_001406798.1, NM_001406800.1 and 3 more transcripts); c.1670del, p.Arg557fs (NM_001406799.1, NM_001406806.1, NM_001406807.1); and 3 more; short protein forms R430fs, R732fs, R764fs, R602fs, R734fs, R633fs, R676fs, R557fs.
Identifiers: ClinVar variation 2838719 (VCV002838719.3), dbSNP rs2530656640, ClinGen allele CA2739274417.
Genomic context (GRCh38, chr2:47,800,177, plus strand): 5'-TTGGATTCTGACACAGTCAGCACTACAAGATCTGGTGCTATCTTCACCAAAGCCTATCAA[CG>C]AATGGTGCTAGATGCAGTGACATTAAACAACTTGGAGATTTTTCTGAATGGAACAAATGG-3'

ClinVar aggregate classification (germline): Pathogenic (1 of 4 stars; one submission).

Conditions:
Hereditary nonpolyposis colorectal neoplasms. Identifiers: MedGen C0009405, MeSH D003123.

Submission:

Labcorp Genetics (formerly Invitae), Labcorp
Classification: Pathogenic for Hereditary nonpolyposis colorectal neoplasms. Last evaluated: 2023-02-18. Review status: criteria provided, single submitter. Criteria: Invitae Variant Classification Sherloc (09022015). Collection method: clinical testing. Allele origin: germline.
Comment: This sequence change creates a premature translational stop signal (p.Arg732Glnfs*4) in the MSH6 gene. It is expected to result in an absent or disrupted protein product. Loss-of-function variants in MSH6 are known to be pathogenic (PMID: 18269114, 24362816). This variant is not present in population databases (gnomAD no frequency). This variant has not been reported in the literature in individuals affected with MSH6-related conditions. For these reasons, this variant has been classified as Pathogenic.

Literature cited by the submitters: PubMed 18269114; PubMed 24362816.